The following is an entry in ClinVar:

ClinVar aggregate classification (germline): Conflicting classifications of pathogenicity. Review status: criteria provided, conflicting classifications (1 of 4 stars). 5 submissions from 5 submitters: Uncertain significance (1); Benign (1); Likely benign (3). Last evaluated 2025-11-10.

Conditions:
Cerebral arteriopathy, autosomal dominant, with subcortical infarcts and leukoencephalopathy, type 1 (CADASIL1). Also called: CASIL; Cerebral arteriopathy with subcortical infarcts and leukoencephalopathy 1; DEMENTIA, HEREDITARY MULTIINFARCT TYPE; CADASIL 1. Identifiers: Orphanet 136, MedGen C4551768, MONDO:0000914, OMIM 125310.

Allele frequency attached by ClinVar (database versions not stated): gnomAD 0.00030 and 0.00033; TOPMed 0.00036; ESP Exome Variant Server 0.00046; 1000 Genomes Project 0.00060; 1000 Genomes Project 30x 0.00062.
gnomAD v4.1: 523 of 1,612,438 alleles (0.032%); highest among the groups gnomAD compares: Middle Eastern, 0.28%; no homozygotes.

Submissions (5):

Women's Health and Genetics/Laboratory Corporation of America, LabCorp
Classification: Uncertain significance. Last evaluated: 2025-11-10. Review status: criteria provided, single submitter. Criteria: LabCorp Variant Classification Summary - May 2015. Collection method: clinical testing. Allele origin: germline.
Comment: Variant summary: NOTCH3 c.*3C>T is located in the untranslated mRNA region downstream of the termination codon. The variant allele was found at a frequency of 0.00042 in 251180 control chromosomes. This frequency is not significantly higher than estimated for disease-causing variants in NOTCH3, allowing no conclusion about variant significance. c.*3C>T has been reported in the literature in 2/195 individuals with severe white matter lesions and was absent from 82 controls (Schmidt_2011). These reports do not provide unequivocal conclusions about association of the variant with cerebral arteriopathy with subcortical infarcts and leukoencephalopathy. To our knowledge, no experimental evidence demonstrating an impact on protein function has been reported. The following publication has been ascertained in the context of this evaluation (PMID: 22006983). ClinVar contains an entry for this variant (Variation ID: 447771). Based on the evidence outlined above, the variant was classified as uncertain significance.

Athena Diagnostics
Classification: Benign. Last evaluated: 2025-09-10. Review status: criteria provided, single submitter. Criteria: Athena Diagnostics Criteria. Collection method: clinical testing. Allele origin: unknown.
Comment: The frequency of this variant in the general population is higher than would generally be expected for pathogenic variants in this gene. This nucleotide position exhibits low evolutionary conservation.

Mayo Clinic Laboratories, Mayo Clinic
Classification: Likely benign. Last evaluated: 2025-03-04. Review status: criteria provided, single submitter. Criteria: ACMG Guidelines, 2015. Collection method: clinical testing. Allele origin: germline. Observed: 3 variant alleles.
Comment: BS2

Blueprint Genetics
Classification: Likely benign. Last evaluated: 2024-11-27. Review status: criteria provided, single submitter. Criteria: ACMG Guidelines, 2015. Collection method: clinical testing. Allele origin: germline.

Illumina Laboratory Services, Illumina
Classification: Likely benign for Cerebral arteriopathy, autosomal dominant, with subcortical infarcts and leukoencephalopathy, type 1. Last evaluated: 2018-01-13. Review status: criteria provided, single submitter. Criteria: ICSL Variant Classification Criteria 13 December 2019. Collection method: clinical testing. Allele origin: germline.
Comment: This variant was observed in the ICSL laboratory as part of a predisposition screen in an ostensibly healthy population. It had not been previously curated by ICSL or reported in the Human Gene Mutation Database (HGMD: prior to June 1st, 2018), and was therefore a candidate for classification through an automated scoring system. Utilizing variant allele frequency, disease prevalence and penetrance estimates, and inheritance mode, an automated score was calculated to assess if this variant is too frequent to cause the disease. Based on the score and internal cut-off values, a variant classified as likely benign is not then subjected to further curation. The score for this variant resulted in a classification of likely benign for this disease.

Literature cited by the submitters: PubMed 22006983 (cited by Women's Health and Genetics/Laboratory Corporation of America, LabCorp).

NM_000435.3(NOTCH3):c.*3C>T

Gene: NOTCH3 (notch receptor 3; minus strand). Cytogenetic location: 19p13.12.
Variant type: single nucleotide variant.
Coding change: c.*3C>T on transcript NM_000435.3 (MANE Select); 3 bases downstream of the stop codon, C replaced by T.
Molecular consequence: 3 prime UTR variant.
Genome position (GRCh38, 1-based): chr19:15,160,659, G>A on the plus strand (C>T on the coding strand, the complement: NOTCH3 is on the minus strand). VCF-style: chr19-15160659-G-A. GRCh37 (hg19) VCF-style: chr19-15271470-G-A.
Identifiers: ClinVar variation 447771 (VCV000447771.10), dbSNP rs202157455, ClinGen allele CA9262262.